The following is an entry in ClinVar:

ClinVar aggregate classification (germline): Conflicting classifications of pathogenicity. Review status: criteria provided, conflicting classifications (1 of 4 stars). 7 submissions from 7 submitters: Likely pathogenic (2); Uncertain significance (5). Last evaluated 2026-10-11.

Conditions:
Cardiovascular phenotype. Identifiers: MedGen CN230736.
Arrhythmogenic right ventricular cardiomyopathy (ARVD). Also called: Arrhythmogenic right ventricular dysplasia; Arrhythmogenic cardiomyopathy; Arrhythmogenic Right Ventricular Cardiomyopathy (ARVC); Cardiomyopathy, ARVC. Identifiers: Orphanet 247, MedGen C0349788, MeSH D019571, MONDO:0016587. Disease mechanism: loss of function. Inheritance: Various modes of inheritance.
Cardiomyopathy (CMYO). Also called: Cardiomyopathies. Identifiers: Orphanet 167848, MedGen C0878544, MONDO:0004994, HP:0001638. Inheritance: Various modes of inheritance.
Arrhythmogenic right ventricular dysplasia 10. Also called: Arrhythmogenic Right Ventricular Dysplasia/Cardiomyopathy10; ARRHYTHMOGENIC RIGHT VENTRICULAR DYSPLASIA, FAMILIAL, 10; Arrhythmogenic right ventricular dysplasia/cardiomyopathy, type 10. Identifiers: MedGen C1857777, MONDO:0012434, OMIM 610193.

Submissions (7):

GeneDx
Classification: Likely pathogenic. Last evaluated: 2026-10-11. Review status: criteria provided, single submitter. Criteria: GeneDx Variant Classification Process June 2021. Collection method: clinical testing. Allele origin: germline.
Comment: In-frame deletion of 4 amino acid(s) in a non-repeat region; In silico analysis supports a deleterious effect on protein structure/function; Not observed at significant frequency in large population cohorts (gnomAD); This variant is associated with the following publications: (PMID: 19279339, 17105751, 23671136, 33087929, 31402444, 21606390)

Labcorp Genetics (formerly Invitae), Labcorp
Classification: Uncertain significance for Arrhythmogenic right ventricular dysplasia 10. Last evaluated: 2026-01-04. Review status: criteria provided, single submitter. Criteria: Invitae Variant Classification Sherloc (09022015). Collection method: clinical testing. Allele origin: germline.
Comment: This variant, c.829_840del, results in the deletion of 4 amino acid(s) of the DSG2 protein (p.Leu277_Met280del), but otherwise preserves the integrity of the reading frame. This variant is present in population databases (rs779260860, gnomAD 0.0008%). This variant has been observed in individual(s) with DSG2-related conditions (PMID: 17105751). This variant is also known as c.829-1delGCTTGAAGGGAT (G277fsX278), 829_840delCTTGAAGGCATG. ClinVar contains an entry for this variant (Variation ID: 199824). Algorithms developed to predict the effect of sequence changes on RNA splicing suggest that this variant may disrupt the consensus splice site. In summary, the available evidence is currently insufficient to determine the role of this variant in disease. Therefore, it has been classified as a Variant of Uncertain Significance.

All of Us Research Program, National Institutes of Health
Classification: Uncertain significance for Arrhythmogenic right ventricular cardiomyopathy. Last evaluated: 2024-07-23. Review status: criteria provided, single submitter. Criteria: ACMG Guidelines, 2015. Collection method: clinical testing. Allele origin: germline. Inheritance: Autosomal dominant inheritance. Observed: 5 variant alleles, 5 heterozygotes.
Comment: This variant deletes 12 nucleotides from exon 8 of the DSG2 gene, resulting in an in-frame deletion of 4 amino acids. Splicing prediction tools suggest that this variant may not disrupt RNA splicing. To our knowledge, functional studies have not been reported for this variant. This variant has been reported to segregate with arrhythmogenic right ventricular cardiomyopathy in a small family (PMID: 17105751), as well as in two unrelated individuals with this condition (PMID: 19279339, 23671136). One of these individuals also carried a pathogenic truncation variant in the PKP2 gene that could explain the observed phenotype (PMID: 23671136). This variant has been identified in 1/280596 chromosomes in the general population by the Genome Aggregation Database (gnomAD). The available evidence is insufficient to determine the role of this variant in disease conclusively. Therefore, this variant is classified as a Variant of Uncertain Significance.

This study involves interpretation of variants in research participants for the purpose of population health screening. Participant phenotype was not available at the time of variant classification. Additional details can be found in publication PMID: 35346344, PMCID: PMC8962531

Color Diagnostics, LLC DBA Color Health
Classification: Uncertain significance for Cardiomyopathy. Last evaluated: 2023-05-18. Review status: criteria provided, single submitter. Criteria: ACMG Guidelines, 2015. Collection method: clinical testing. Allele origin: germline.
Comment: This variant deletes 12 nucleotides from exon 8 of the DSG2 gene, resulting in an in-frame deletion of 4 amino acids. To our knowledge, functional studies have not been reported for this variant. This variant has been reported in 3 unrelated individuals affected with arrhythmogenic right ventricular cardiomyopathy and it has been observed to segregate with disease in one of the families (PMID: 17105751, 19279339, 23671136). One of these individuals also carried a pathogenic truncation variant in the PKP2 gene that could explain the observed phenotype (PMID: 23671136). This variant has been identified in 1/280596 chromosomes in the general population by the Genome Aggregation Database (gnomAD). The available evidence is insufficient to determine the role of this variant in disease conclusively. Therefore, this variant is classified as a Variant of Uncertain Significance.

AiLife Diagnostics
Classification: Uncertain significance. Last evaluated: 2021-11-12. Review status: criteria provided, single submitter. Criteria: ACMG Guidelines, 2015. Collection method: clinical testing. Allele origin: germline. Affected: yes. Observed: 1 variant allele.

CHEO Genetics Diagnostic Laboratory, Children's Hospital of Eastern Ontario
Classification: Likely pathogenic for Cardiomyopathy. Last evaluated: 2021-08-03. Review status: criteria provided, single submitter. Criteria: ACMG Guidelines, 2015. Collection method: clinical testing. Allele origin: germline.

Ambry Genetics
Classification: Uncertain significance for Cardiovascular phenotype. Last evaluated: 2019-10-24. Review status: criteria provided, single submitter. Criteria: Ambry General Variant Classification Scheme_2022. Collection method: clinical testing. Allele origin: germline. Observed: 1 variant allele.
Comment: The c.829_840del12 variant (also known as p.L277_M280del) is located in coding exon 8 of the DSG2 gene. This variant results from an in-frame CTTGAAGGGATG deletion at nucleotide positions 829 to 840. This results in the deletion of four amino acids between codons 277 and 280. This variant was detected in two related individuals with arrhythmogenic right ventricular cardiomyopathy (ARVC), who shared an additional first degree relative with sudden cardiac death due to ARVC, but who did not have genetic testing (Syrris P et al. Eur. Heart J., 2007 Mar;28:581-8). These amino acid positions are generally not well conserved in available vertebrate species. In addition, this alteration is predicted to be deleterious by in silico analysis (Choi Y et al. PLoS ONE. 2012; 7(10):e46688). Since supporting evidence is limited at this time, the clinical significance of this alteration remains unclear.

Literature cited by the submitters: PubMed 17105751 (cited by 5 submitters); PubMed 19279339 (cited by 3 submitters); PubMed 23671136 (cited by 4 submitters); PubMed 33087929 (cited by AiLife Diagnostics); PubMed 31402444 (cited by AiLife Diagnostics); PubMed 21606390 (cited by Ambry Genetics).

NM_001943.5(DSG2):c.829_840del (p.Leu277_Met280del)

Gene: DSG2 (desmoglein 2; plus strand). Cytogenetic location: 18q12.1.
Variant type: Deletion.
Coding change: c.829_840del on transcript NM_001943.5 (MANE Select); coding-DNA positions 829 to 840, 12 bases deleted (CTTGAAGGGATG).
Protein change: p.Leu277_Met280del.
Molecular consequence: splice acceptor variant.
Genome position (GRCh38, 1-based): chr18:31,524,703-31,524,714, CTTGAAGGGATG deleted; deleting any 12 consecutive bases within chr18:31,524,702-31,524,714 gives the same sequence; the c. name uses the placement nearest the transcript's 3' end. VCF-style (leftmost placement, unchanged base first): chr18-31524701-AGCTTGAAGGGAT-A. GRCh37 (hg19) VCF-style: chr18-29104664-AGCTTGAAGGGAT-A.
Other names: c.829_840delCTTGAAGGGATG (NM_001943.3); c.829_840del12 (NM_001943.3); c.829_840del (NM_001943.3).
Identifiers: ClinVar variation 199824 (VCV000199824.21), dbSNP rs794728093, ClinGen allele CA022276.
Genomic context (GRCh38, chr18:31,524,701, plus strand): 5'-AAAAATATATCACTTATATTTGTATTTCATTGAAATAAAAATCATGTGTTCATGTTTTGC[AGCTTGAAGGGAT>A]GGTTGAAGAAAATCAAGTCAACGTAGAAGTTACGCGCATAAAAGTGTTCGATGCAGATGA-3'